The following is an entry in ClinVar:

ClinVar aggregate classification (germline): Uncertain significance (1 of 4 stars; one submission).

Conditions:
Autoimmune lymphoproliferative syndrome type 2A (ALPS2A). Also called: CASP10-Related Autoimmune Lymphoproliferative Syndrome; AUTOIMMUNE LYMPHOPROLIFERATIVE SYNDROME, TYPE IIA; Autoimmune lymphoproliferative syndrome type 2. Identifiers: Orphanet 3261, MedGen C1858968, MONDO:0011383, OMIM 603909.

Allele frequency attached by ClinVar (database versions not stated): gnomAD exomes 0.00001; gnomAD 0.00002; 1000 Genomes Project 30x 0.00016; 1000 Genomes Project 0.00020.
gnomAD v4.1: 11 of 1,612,804 alleles (0.00068%); highest among the groups gnomAD compares: East Asian, 0.0045%; no homozygotes.

Submission:

Labcorp Genetics (formerly Invitae), Labcorp
Classification: Uncertain significance for Autoimmune lymphoproliferative syndrome type 2A. Last evaluated: 2023-06-28. Review status: criteria provided, single submitter. Criteria: Invitae Variant Classification Sherloc (09022015). Collection method: clinical testing. Allele origin: germline.
Comment: In summary, the available evidence is currently insufficient to determine the role of this variant in disease. Therefore, it has been classified as a Variant of Uncertain Significance. Advanced modeling of protein sequence and biophysical properties (such as structural, functional, and spatial information, amino acid conservation, physicochemical variation, residue mobility, and thermodynamic stability) performed at Invitae indicates that this missense variant is not expected to disrupt CASP10 protein function. ClinVar contains an entry for this variant (Variation ID: 2174606). This variant has not been reported in the literature in individuals affected with CASP10-related conditions. This variant is present in population databases (rs115264962, gnomAD 0.002%). This sequence change replaces aspartic acid, which is acidic and polar, with asparagine, which is neutral and polar, at codon 347 of the CASP10 protein (p.Asp347Asn).

NM_032977.4(CASP10):c.1039G>A (p.Asp347Asn)

Gene: CASP10 (caspase 10; plus strand). Cytogenetic location: 2q33.1.
Variant type: single nucleotide variant.
Coding change: c.1039G>A on transcript NM_032977.4 (MANE Select); coding-DNA position 1039, G replaced by A.
Protein change: p.Asp347Asn; replaces aspartic acid 347 with asparagine.
Molecular consequence: missense variant. On other transcripts: 3 prime UTR variant (1).
Genome position (GRCh38, 1-based): chr2:201,209,186, G>A. VCF-style: chr2-201209186-G-A. GRCh37 (hg19) VCF-style: chr2-202073909-G-A.
Other names: c.838G>A, p.Asp280Asn (NM_001206524.2); c.910G>A, p.Asp304Asn (NM_001206542.2, NM_001230.5); c.1039G>A, p.Asp347Asn (NM_032974.5); c.*125G>A (NM_032976.4); short protein forms D280N, D347N, D304N.
Identifiers: ClinVar variation 2174606 (VCV002174606.4), dbSNP rs115264962, ClinGen allele CA63866082.
Genomic context (GRCh38, chr2:201,209,186, plus strand): 5'-GTGACGAAAGTGGAAATGGAGATGGTCCTGCAGAAGCAGAAGTGCAATCCAGCCCATGCC[G>A]ACGGGGACTGCTTCGTGTTCTGTATTCTGACCCATGGGAGATTTGGAGCTGTCTACTCTT-3'
Protein context (NP_116759.2, residues 337-357): QKQKCNPAHA[Asp347Asn]GDCFVFCILT